The following is an entry in ClinVar:

NM_001077365.2(POMT1):c.1183del (p.Val395fs)

Gene: POMT1 (protein O-mannosyltransferase 1; plus strand). Cytogenetic location: 9q34.13.
Variant type: Deletion.
Coding change: c.1183del on transcript NM_001077365.2 (MANE Select); coding-DNA position 1183, one base deleted (G; older notation c.1183delG).
Protein change: p.Val395fs; shifts the reading frame from valine 395.
Molecular consequence: frameshift variant. On other transcripts: non-coding transcript variant (10).
Genome position (GRCh38, 1-based): chr9:131,515,433, G deleted. VCF-style (leftmost placement, unchanged base first): chr9-131515432-TG-T. GRCh37 (hg19) VCF-style: chr9-134390819-TG-T.
Other names: c.1021del, p.Val341fs (NM_001077366.2, NM_001353194.2); c.1183del, p.Val395fs (NM_001136113.2, NM_001374690.1); c.832del, p.Val278fs (NM_001136114.2, NM_001353195.2, NM_001374691.1 and 2 more transcripts); c.1249del, p.Val417fs (NM_001353193.2, NM_007171.4); c.1093del, p.Val365fs (NM_001353196.2); c.1087del, p.Val363fs (NM_001353197.2, NM_001353198.2); c.898del, p.Val300fs (NM_001353199.2); c.727del, p.Val243fs (NM_001353200.2); and 3 more; short protein forms V18fs, V243fs, V265fs, V278fs, V300fs, V341fs, V363fs, V365fs.
Identifiers: ClinVar variation 3378210 (VCV003378210.1).

ClinVar aggregate classification (germline): Pathogenic (1 of 4 stars; one submission).

Submission:

GeneDx
Classification: Pathogenic. Last evaluated: 2024-05-14. Review status: criteria provided, single submitter. Criteria: GeneDx Variant Classification Process June 2021. Collection method: clinical testing. Allele origin: germline. Affected: yes.
Comment: Frameshift variant predicted to result in protein truncation or nonsense mediated decay in a gene for which loss of function is a known mechanism of disease; Not observed at significant frequency in large population cohorts (gnomAD); Has not been previously published as pathogenic or benign to our knowledge